The following is an entry in ClinVar:

NM_000170.3(GLDC):c.176G>A (p.Arg59Lys)

Gene: GLDC (glycine decarboxylase; minus strand). Cytogenetic location: 9p24.1.
Variant type: single nucleotide variant.
Coding change: c.176G>A on transcript NM_000170.3 (MANE Select); coding-DNA position 176, G replaced by A.
Protein change: p.Arg59Lys; replaces arginine 59 with lysine.
Molecular consequence: missense variant.
Genome position (GRCh38, 1-based): chr9:6,645,324, C>T on the plus strand (G>A on the coding strand, the complement: GLDC is on the minus strand). VCF-style: chr9-6645324-C-T. GRCh37 (hg19) VCF-style: chr9-6645324-C-T.
Other names: short protein forms R59K.
Identifiers: ClinVar variation 661629 (VCV000661629.9), dbSNP rs386833530, ClinGen allele CA372886699.
Genomic context (GRCh38, chr9:6,645,324, plus strand): 5'-AGCATCTCTCTCTGGTCTTTGTCCCCAGGGCCGATGTGCCTCCGAGCGAAGTCGTCGTGT[C>T]TGGGCAGAAGGCGCTCCAGGAGGCGCGAGGCCCCAGCCGCGGCGCTGTCCCCGCCGCCAC-3'
Protein context (NP_000161.2, residues 49-69): ASRLLERLLP[Arg59Lys]HDDFARRHIG

ClinVar aggregate classification (germline): Uncertain significance (1 of 4 stars; one submission).

Conditions:
Glycine encephalopathy. Also called: Non-ketotic hyperglycinemia; Nonketotic hyperglycinemia. Identifiers: Orphanet 407, MedGen C0751748, MONDO:0011612, HP:0008288.

Submission:

Labcorp Genetics (formerly Invitae), Labcorp
Classification: Uncertain significance for Glycine encephalopathy. Last evaluated: 2020-02-22. Review status: criteria provided, single submitter. Criteria: Invitae Variant Classification Sherloc (09022015). Collection method: clinical testing. Allele origin: germline.
Comment: In summary, the available evidence is currently insufficient to determine the role of this variant in disease. Therefore, it has been classified as a Variant of Uncertain Significance. Algorithms developed to predict the effect of missense changes on protein structure and function (SIFT, PolyPhen-2, Align-GVGD) all suggest that this variant is likely to be tolerated, but these predictions have not been confirmed by published functional studies and their clinical significance is uncertain. This variant has not been reported in the literature in individuals with GLDC-related disease. This variant is not present in population databases (ExAC no frequency). This sequence change replaces arginine with lysine at codon 59 of the GLDC protein (p.Arg59Lys). The arginine residue is moderately conserved and there is a small physicochemical difference between arginine and lysine.